The following is an entry in ClinVar:

ClinVar aggregate classification (germline): Uncertain significance. Review status: criteria provided, multiple submitters, no conflicts (2 of 4 stars). 3 submissions from 3 submitters: Uncertain significance (2). 1 of the submissions does not count toward it. Last evaluated 2026-09-08.

Conditions:
Usher syndrome type 1 (USH1). Also called: RETINITIS PIGMENTOSA AND CONGENITAL DEAFNESS. Identifiers: Orphanet 231169, Orphanet 886, MedGen C1568247, MONDO:0010168, OMIM 276900.
CDH23-related disorder. Also called: CDH23-related condition; CDH23-related disorders.

Submissions (3):

PreventionGenetics, part of Exact Sciences
Classification: Uncertain significance for CDH23-related condition. Last evaluated: 2026-09-08. Review status: criteria provided, single submitter. Criteria: ACMG Guidelines, 2015. Collection method: clinical testing. Allele origin: germline.
Comment: The CDH23 c.7051G>T variant is predicted to result in the amino acid substitution p.Ala2351Ser. To our knowledge, this variant has not been reported in the literature or in a large population database (gnomAD), indicating this variant is rare. At this time, the clinical significance of this variant is uncertain due to the absence of conclusive functional and genetic evidence.

Labcorp Genetics (formerly Invitae), Labcorp
Classification: Uncertain significance. Last evaluated: 2022-05-09. Review status: criteria provided, single submitter. Criteria: Invitae Variant Classification Sherloc (09022015). Collection method: clinical testing. Allele origin: germline.
Comment: This sequence change replaces alanine, which is neutral and non-polar, with serine, which is neutral and polar, at codon 2351 of the CDH23 protein (p.Ala2351Ser). This variant is not present in population databases (gnomAD no frequency). This variant has not been reported in the literature in individuals affected with CDH23-related conditions. Algorithms developed to predict the effect of missense changes on protein structure and function are either unavailable or do not agree on the potential impact of this missense change (SIFT: "Deleterious"; PolyPhen-2: "Not Available"; Align-GVGD: "Class C65"). In summary, the available evidence is currently insufficient to determine the role of this variant in disease. Therefore, it has been classified as a Variant of Uncertain Significance.

Natera, Inc.
Classification: Uncertain significance for Usher syndrome type 1. Last evaluated: 2025-04-02. Review status: no assertion criteria provided. Collection method: clinical testing. Allele origin: germline. Not counted in ClinVar's aggregate classification.

NM_022124.6(CDH23):c.7051G>T (p.Ala2351Ser)

Gene: CDH23 (cadherin related 23; plus strand). Cytogenetic location: 10q22.1.
Variant type: single nucleotide variant.
Coding change: c.7051G>T on transcript NM_022124.6 (MANE Select); coding-DNA position 7051, G replaced by T.
Protein change: p.Ala2351Ser; replaces alanine 2351 with serine.
Molecular consequence: missense variant.
Genome position (GRCh38, 1-based): chr10:71,798,575, G>T. VCF-style: chr10-71798575-G-T. GRCh37 (hg19) VCF-style: chr10-73558332-G-T.
Other names: c.331G>T, p.Ala111Ser (NM_001171933.1, NM_001171934.1); c.7051G>T (NM_022124.5); short protein forms A111S, A2351S.
Identifiers: ClinVar variation 1984030 (VCV001984030.3), dbSNP rs1260405745, ClinGen allele CA377158531.